The following is an entry in ClinVar:

NM_004656.4(BAP1):c.1892A>C (p.Glu631Ala)

Gene: BAP1 (BRCA1 associated deubiquitinase 1; minus strand). Cytogenetic location: 3p21.1.
Variant type: single nucleotide variant.
Coding change: c.1892A>C on transcript NM_004656.4 (MANE Select); coding-DNA position 1892, A replaced by C.
Protein change: p.Glu631Ala; replaces glutamic acid 631 with alanine.
Molecular consequence: missense variant.
Genome position (GRCh38, 1-based): chr3:52,402,870, T>G on the plus strand (A>C on the coding strand, the complement: BAP1 is on the minus strand). VCF-style: chr3-52402870-T-G. GRCh37 (hg19) VCF-style: chr3-52436886-T-G.
Other names: c.1838A>C, p.Glu613Ala (NM_001410772.1); short protein forms E613A, E631A.
Identifiers: ClinVar variation 3021074 (VCV003021074.4), dbSNP rs2153226340, ClinGen allele CA353096996.

ClinVar aggregate classification (germline): Uncertain significance. Review status: criteria provided, multiple submitters, no conflicts (2 of 4 stars). 2 submissions from 2 submitters: Uncertain significance (2). Last evaluated 2025-01-20.

Conditions:
BAP1-related tumor predisposition syndrome (TPDS1). Also called: Tumor susceptibility linked to germline BAP1 mutations; BAP1 tumor predisposition syndrome; COMMON Syndrome; TUMOR PREDISPOSITION SYNDROME 1. Identifiers: Orphanet 289539, MedGen C3280492, MONDO:0013692, OMIM 614327.
Hereditary cancer-predisposing syndrome. Also called: Tumor predisposition; Hereditary neoplastic syndrome; Hereditary Cancer Syndrome; Neoplastic Syndromes, Hereditary. Identifiers: Orphanet 140162, MedGen C0027672, MeSH D009386, MONDO:0015356.

Submissions (2):

Ambry Genetics
Classification: Uncertain significance for Hereditary cancer-predisposing syndrome. Last evaluated: 2025-01-20. Review status: criteria provided, single submitter. Criteria: Ambry Variant Classification Scheme 2023. Collection method: clinical testing. Allele origin: germline.
Comment: The p.E631A variant (also known as c.1892A>C), located in coding exon 15 of the BAP1 gene, results from an A to C substitution at nucleotide position 1892. The glutamic acid at codon 631 is replaced by alanine, an amino acid with dissimilar properties. This amino acid position is conserved. In addition, the in silico prediction for this alteration is inconclusive. Based on the available evidence, the clinical significance of this variant remains unclear.

Labcorp Genetics (formerly Invitae), Labcorp
Classification: Uncertain significance for BAP1-related tumor predisposition syndrome. Last evaluated: 2023-11-24. Review status: criteria provided, single submitter. Criteria: Invitae Variant Classification Sherloc (09022015). Collection method: clinical testing. Allele origin: germline.
Comment: This sequence change replaces glutamic acid, which is acidic and polar, with alanine, which is neutral and non-polar, at codon 631 of the BAP1 protein (p.Glu631Ala). This variant is not present in population databases (gnomAD no frequency). This variant has not been reported in the literature in individuals affected with BAP1-related conditions. An algorithm developed to predict the effect of missense changes on protein structure and function (PolyPhen-2) suggests that this variant is likely to be disruptive. In summary, the available evidence is currently insufficient to determine the role of this variant in disease. Therefore, it has been classified as a Variant of Uncertain Significance.